The following is an entry in ClinVar:

NM_001134831.2(AHI1):c.1259G>A (p.Trp420Ter)

Gene: AHI1 (Abelson helper integration site 1; minus strand). Cytogenetic location: 6q23.3.
Variant type: single nucleotide variant.
Coding change: c.1259G>A on transcript NM_001134831.2 (MANE Select); coding-DNA position 1259, G replaced by A.
Protein change: p.Trp420Ter; replaces tryptophan 420 with a stop codon.
Molecular consequence: nonsense.
Genome position (GRCh38, 1-based): chr6:135,455,819, C>T on the plus strand (G>A on the coding strand, the complement: AHI1 is on the minus strand). VCF-style: chr6-135455819-C-T. GRCh37 (hg19) VCF-style: chr6-135776957-C-T.
Other names: c.1259G>A, p.Trp420Ter (NM_001134830.2, NM_001134832.2, NM_001350503.2 and 2 more transcripts); short protein forms W420*.
Identifiers: ClinVar variation 3720717 (VCV003720717.3).

ClinVar aggregate classification (germline): Pathogenic. Review status: criteria provided, multiple submitters, no conflicts (2 of 4 stars). 2 submissions from 2 submitters: Pathogenic (2). Last evaluated 2026-06-10.

Conditions:
Joubert syndrome 3 (JBTS3). Also called: AHI1-related Ciliopathy. Identifiers: Orphanet 220493, MedGen C1837713, MONDO:0012078, OMIM 608629.
Joubert syndrome. Also called: JOUBERT-BOLTSHAUSER SYNDROME; Familial aplasia of the vermis. Identifiers: Orphanet 475, MedGen C5979921, MONDO:0018772.

Submissions (2):

Myriad Genetics, Inc.
Classification: Pathogenic for Joubert syndrome 3. Last evaluated: 2026-06-10. Review status: criteria provided, single submitter. Criteria: Myriad Autosomal Dominant, Autosomal Recessive and X-Linked Classification Criteria (2023). Collection method: clinical testing. Allele origin: unknown.
Comment: NM_001134831.1(AHI1):c.1259G>A(W420*) is expected to be pathogenic in the context of Joubert syndrome, AHI1-related. This variant is predicted to lead to an abnormal or absent protein product due to the creation of a premature termination codon in AHI1, a gene where loss-of-function variants are known to be pathogenic. Please note: this variant was assessed in the context of healthy population screening.

Labcorp Genetics (formerly Invitae), Labcorp
Classification: Pathogenic for Joubert syndrome. Last evaluated: 2024-10-18. Review status: criteria provided, single submitter. Criteria: Invitae Variant Classification Sherloc (09022015). Collection method: clinical testing. Allele origin: germline.
Comment: This sequence change creates a premature translational stop signal (p.Trp420*) in the AHI1 gene. It is expected to result in an absent or disrupted protein product. Loss-of-function variants in AHI1 are known to be pathogenic (PMID: 15322546, 16453322, 28442542, 29186038). This variant is not present in population databases (gnomAD no frequency). This premature translational stop signal has been observed in individual(s) with Joubert syndrome (PMID: 16155189). For these reasons, this variant has been classified as Pathogenic.

Literature cited by the submitters: PubMed 15322546 (cited by Labcorp Genetics (formerly Invitae), Labcorp); PubMed 16453322 (cited by Labcorp Genetics (formerly Invitae), Labcorp); PubMed 28442542 (cited by Labcorp Genetics (formerly Invitae), Labcorp); PubMed 29186038 (cited by Labcorp Genetics (formerly Invitae), Labcorp); PubMed 16155189 (cited by Labcorp Genetics (formerly Invitae), Labcorp).